The following is an entry in ClinVar:

ClinVar aggregate classification (germline): Uncertain significance (1 of 4 stars; one submission).

Allele frequency attached by ClinVar (database versions not stated): gnomAD exomes below 0.00001.
gnomAD v4.1: 1 of 1,601,600 alleles (0.000062%); highest among the groups gnomAD compares: East Asian, 0.0023%; no homozygotes.

Submission:

Labcorp Genetics (formerly Invitae), Labcorp
Classification: Uncertain significance. Last evaluated: 2022-04-24. Review status: criteria provided, single submitter. Criteria: Invitae Variant Classification Sherloc (09022015). Collection method: clinical testing. Allele origin: germline.
Comment: This sequence change replaces aspartic acid, which is acidic and polar, with glutamic acid, which is acidic and polar, at codon 864 of the GUCY2C protein (p.Asp864Glu). This variant is not present in population databases (gnomAD no frequency). This variant has not been reported in the literature in individuals affected with GUCY2C-related conditions. Algorithms developed to predict the effect of missense changes on protein structure and function are either unavailable or do not agree on the potential impact of this missense change (SIFT: "Deleterious"; PolyPhen-2: "Probably Damaging"; Align-GVGD: "Class C0"). In summary, the available evidence is currently insufficient to determine the role of this variant in disease. Therefore, it has been classified as a Variant of Uncertain Significance.

NM_004963.4(GUCY2C):c.2592T>A (p.Asp864Glu)

Gene: GUCY2C (guanylate cyclase 2C; minus strand). Cytogenetic location: 12p12.3.
Variant type: single nucleotide variant.
Coding change: c.2592T>A on transcript NM_004963.4 (MANE Select); coding-DNA position 2592, T replaced by A.
Protein change: p.Asp864Glu; replaces aspartic acid 864 with glutamic acid.
Molecular consequence: missense variant.
Genome position (GRCh38, 1-based): chr12:14,622,014, A>T on the plus strand (T>A on the coding strand, the complement: GUCY2C is on the minus strand). VCF-style: chr12-14622014-A-T. GRCh37 (hg19) VCF-style: chr12-14774948-A-T.
Other names: short protein forms D864E.
Identifiers: ClinVar variation 2062647 (VCV002062647.4), dbSNP rs1946906502, ClinGen allele CA383994910.